The following is an entry in ClinVar:

ClinVar aggregate classification (germline): Conflicting classifications of pathogenicity. Review status: criteria provided, conflicting classifications (1 of 4 stars). 15 submissions from 15 submitters: Uncertain significance (12); Likely benign (1). 2 of the submissions do not count toward it. Last evaluated 2026-01-28.

Conditions:
Neuropathy, hereditary sensory, type 2C. Also called: Hereditary sensory and autonomic neuropathy type IIC; KIF1A-Related HSAN2 (HSAN2C). Identifiers: Orphanet 970, MedGen C3280168, MONDO:0013634, OMIM 614213.
Hereditary spastic paraplegia 30. Identifiers: Orphanet 101010, MedGen C5235139, MONDO:0012476.
Intellectual disability, autosomal dominant 9 (NESCAVS). Also called: KIF1A-Related Neurodevelopmental Disorder; NESCAV SYNDROME. Identifiers: Orphanet 662367, MedGen C5393830, MONDO:0013656, OMIM 614255.
Inborn genetic diseases. Identifiers: MedGen C0950123, MeSH D030342.
Hereditary spastic paraplegia. Also called: Familial spastic paraparesis. Identifiers: Orphanet 685, MedGen C0037773, MONDO:0019064. Disease mechanism: loss of function.

Allele frequency attached by ClinVar (database versions not stated): ExAC 0.00023; gnomAD 0.00026 and 0.00027; gnomAD exomes 0.00028 and 0.00046; TOPMed 0.00029; ESP Exome Variant Server 0.00031.
gnomAD v4.1: 705 of 1,612,352 alleles (0.044%); highest among the groups gnomAD compares: Non-Finnish European, 0.053%; no homozygotes.

Submissions (15):

Labcorp Genetics (formerly Invitae), Labcorp
Classification: Likely benign for Hereditary spastic paraplegia 30; Neuropathy, hereditary sensory, type 2C; Intellectual disability, autosomal dominant 9. Last evaluated: 2026-01-28. Review status: criteria provided, single submitter. Criteria: Invitae Variant Classification Sherloc (09022015). Collection method: clinical testing. Allele origin: germline.

GeneDx
Classification: Uncertain significance. Last evaluated: 2025-11-25. Review status: criteria provided, single submitter. Criteria: GeneDx Variant Classification Process June 2021. Collection method: clinical testing. Allele origin: germline. Affected: yes.
Comment: In silico analysis supports that this missense variant has a deleterious effect on protein structure/function; Has not been previously published as pathogenic or benign to our knowledge; This variant is associated with the following publications: (PMID: 26125038, 21820098, 21376300)

Mayo Clinic Laboratories, Mayo Clinic
Classification: Uncertain significance. Last evaluated: 2024-11-25. Review status: criteria provided, single submitter. Criteria: ACMG Guidelines, 2015. Collection method: clinical testing. Allele origin: germline. Observed: 2 variant alleles.

Blueprint Genetics
Classification: Uncertain significance. Last evaluated: 2024-11-21. Review status: criteria provided, single submitter. Criteria: ACMG Guidelines, 2015. Collection method: clinical testing. Allele origin: germline.

Women's Health and Genetics/Laboratory Corporation of America, LabCorp
Classification: Uncertain significance. Last evaluated: 2024-06-20. Review status: criteria provided, single submitter. Criteria: LabCorp Variant Classification Summary - May 2015. Collection method: clinical testing. Allele origin: germline.
Comment: Variant summary: KIF1A c.4865C>T (p.Ala1622Val) results in a non-conservative amino acid change located in the Pleckstrin homology domain (IPR001849) of the encoded protein sequence. Three of five in-silico tools predict a benign effect of the variant on protein function. The variant allele was found at a frequency of 0.00028 in 248364 control chromosomes. This frequency is not significantly higher than estimated for a pathogenic variant in KIF1A causing NESCAV Syndrome, allowing no conclusion about variant significance. To our knowledge, no occurrence of c.4865C>T in individuals affected with NESCAV Syndrome and no experimental evidence demonstrating its impact on protein function have been reported. ClinVar contains an entry for this variant (Variation ID: 282386). Based on the evidence outlined above, the variant was classified as uncertain significance.

Genomic Medicine Center of Excellence, King Faisal Specialist Hospital and Research Centre
Classification: Uncertain significance for Intellectual disability, autosomal dominant 9. Last evaluated: 2024-03-26. Review status: criteria provided, single submitter. Criteria: ACMG Guidelines, 2015. Collection method: clinical testing. Allele origin: germline.

Ambry Genetics
Classification: Uncertain significance for Inborn genetic diseases. Last evaluated: 2023-12-18. Review status: criteria provided, single submitter. Criteria: Ambry Variant Classification Scheme 2023. Collection method: clinical testing. Allele origin: germline.

CeGaT Center for Human Genetics Tuebingen
Classification: Uncertain significance. Last evaluated: 2023-05-01. Review status: criteria provided, single submitter. Criteria: CeGaT Center For Human Genetics Tuebingen Variant Classification Criteria Version 2. Collection method: clinical testing. Allele origin: germline. Affected: yes. Observed: 1 variant allele.
Comment: KIF1A: PP2

Genome Diagnostics Laboratory, The Hospital for Sick Children
Classification: Uncertain significance for Hereditary spastic paraplegia. Last evaluated: 2021-11-08. Review status: criteria provided, single submitter. Criteria: ACMG Guidelines, 2015. Collection method: clinical testing. Allele origin: germline. Affected: yes.

Revvity Omics, Revvity
Classification: Uncertain significance. Last evaluated: 2020-04-15. Review status: criteria provided, single submitter. Criteria: ACMG Guidelines, 2015. Collection method: clinical testing. Allele origin: germline.

ARUP Laboratories, Molecular Genetics and Genomics, ARUP Laboratories
Classification: Uncertain significance. Last evaluated: 2018-01-12. Review status: criteria provided, single submitter. Criteria: ARUP Molecular Germline Variant Investigation Process. Collection method: clinical testing. Allele origin: germline.
Comment: The KIF1A c.4865C>T; p.Ala1622Val variant (rs199804623), to our knowledge, is not reported in the medical literature, gene specific variation databases, nor has it been previously identified by our laboratory. This variant is listed in the genome Aggregation Database (gnomAD) with a non-Finnish European population frequency of 0.04% (identified on 52 out of 126,068 chromosomes). The alanine at position 1622 is weakly conserved, considering 13 species, and computational analyses of the effects of the p.Ala1622Val variant on protein structure and function make conflicting predictions (SIFT: tolerated, MutationTaster: disease causing, PolyPhen-2: benign). Based on the available information, the clinical significance of the p.Ala1622Val variant cannot be determined with certainty.

Illumina Laboratory Services, Illumina
Classification: Uncertain significance for Spastic paraplegia 30A, autosomal dominant. Last evaluated: 2018-01-12. Review status: criteria provided, single submitter. Criteria: ICSL Variant Classification Criteria 13 December 2019. Collection method: clinical testing. Allele origin: germline.

Eurofins Ntd Llc (ga)
Classification: Uncertain significance. Last evaluated: 2016-11-30. Review status: criteria provided, single submitter. Criteria: EGL Classification Definitions 2015. Collection method: clinical testing. Allele origin: germline. Observed: 3 variant alleles, 3 heterozygotes.

Clinical Genetics DNA and cytogenetics Diagnostics Lab, Erasmus MC, Erasmus Medical Center
Classification: Likely benign. Review status: no assertion criteria provided. Collection method: clinical testing. Allele origin: germline. Affected: yes. Study: VKGL Data-share Consensus. Not counted in ClinVar's aggregate classification.

Genome Diagnostics Laboratory, University Medical Center Utrecht
Classification: Likely benign. Review status: no assertion criteria provided. Collection method: clinical testing. Allele origin: germline. Affected: yes. Study: VKGL Data-share Consensus. Not counted in ClinVar's aggregate classification.

Literature cited by the submitters: PubMed 28106320 (cited by Ambry Genetics).

NM_001244008.2(KIF1A):c.5168C>T (p.Ala1723Val)

Gene: KIF1A (kinesin family member 1A; minus strand). Cytogenetic location: 2q37.3.
Variant type: single nucleotide variant.
Coding change: c.5168C>T on transcript NM_001244008.2 (MANE Select); coding-DNA position 5168, C replaced by T.
Protein change: p.Ala1723Val; replaces alanine 1723 with valine.
Molecular consequence: missense variant.
Genome position (GRCh38, 1-based): chr2:240,719,052, G>A on the plus strand (C>T on the coding strand, the complement: KIF1A is on the minus strand). VCF-style: chr2-240719052-G-A. GRCh37 (hg19) VCF-style: chr2-241658469-G-A.
Other names: c.5168C>T (NM_001244008.1); c.4865C>T (NM_004321.7); c.4892C>T, p.Ala1631Val (NM_001320705.2, NM_001379649.1); c.4919C>T, p.Ala1640Val (NM_001330289.2); c.4967C>T, p.Ala1656Val (NM_001330290.2, NM_001379648.1); c.5243C>T, p.Ala1748Val (NM_001379631.1); c.5144C>T, p.Ala1715Val (NM_001379632.1); c.5141C>T, p.Ala1714Val (NM_001379633.1, NM_001379645.1); and 9 more; short protein forms A1723V, A1622V, A1640V, A1656V, A1631V, A1621V, A1630V, A1639V.
Identifiers: ClinVar variation 282386 (VCV000282386.72), dbSNP rs199804623, ClinGen allele CA2207161.